The following is an entry in ClinVar:

NM_001365951.3(KIF1B):c.1799G>A (p.Cys600Tyr)

Gene: KIF1B (kinesin family member 1B; plus strand). Cytogenetic location: 1p36.22.
Variant type: single nucleotide variant.
Coding change: c.1799G>A on transcript NM_001365951.3 (MANE Select); coding-DNA position 1799, G replaced by A.
Protein change: p.Cys600Tyr; replaces cysteine 600 with tyrosine.
Molecular consequence: missense variant.
Genome position (GRCh38, 1-based): chr1:10,296,603, G>A. VCF-style: chr1-10296603-G-A. GRCh37 (hg19) VCF-style: chr1-10356661-G-A.
Other names: c.1799G>A, p.Cys600Tyr (NM_001365952.1); c.1661G>A, p.Cys554Tyr (NM_001365953.1, NM_015074.3, NM_183416.4); short protein forms C554Y, C600Y.
Identifiers: ClinVar variation 3534083 (VCV003534083.1).

ClinVar aggregate classification (germline): Uncertain significance (1 of 4 stars; one submission).

gnomAD v4.1: 1 of 1,613,804 alleles (0.000062%); highest among the groups gnomAD compares: Non-Finnish European, 0.000085%; no homozygotes.

Submission:

Ambry Genetics
Classification: Uncertain significance. Last evaluated: 2024-11-14. Review status: criteria provided, single submitter. Criteria: Ambry Variant Classification Scheme 2023. Collection method: clinical testing. Allele origin: germline.
Comment: The p.C554Y variant (also known as c.1661G>A), located in coding exon 17 of the KIF1B gene, results from a G to A substitution at nucleotide position 1661. The cysteine at codon 554 is replaced by tyrosine, an amino acid with highly dissimilar properties. This amino acid position is conserved. In addition, the in silico prediction for this alteration is inconclusive. Based on the available evidence, the clinical significance of this variant remains unclear.